The following is an entry in ClinVar:

ClinVar aggregate classification (germline): Uncertain significance. Review status: criteria provided, multiple submitters, no conflicts (2 of 4 stars). 2 submissions from 2 submitters: Uncertain significance (2). Last evaluated 2024-08-01.

Conditions:
Inborn genetic diseases. Identifiers: MedGen C0950123, MeSH D030342.

Allele frequency attached by ClinVar (database versions not stated): gnomAD exomes 0.00001; TOPMed 0.00001; ExAC 0.00002.
gnomAD v4.1: 18 of 1,613,998 alleles (0.0011%); highest among the groups gnomAD compares: East Asian, 0.0022%; no homozygotes.

Submissions (2):

Ambry Genetics
Classification: Uncertain significance for Inborn genetic diseases. Last evaluated: 2024-08-01. Review status: criteria provided, single submitter. Criteria: Ambry Variant Classification Scheme 2023. Collection method: clinical testing. Allele origin: germline.

Labcorp Genetics (formerly Invitae), Labcorp
Classification: Uncertain significance. Last evaluated: 2024-06-03. Review status: criteria provided, single submitter. Criteria: Invitae Variant Classification Sherloc (09022015). Collection method: clinical testing. Allele origin: germline.
Comment: This sequence change replaces threonine, which is neutral and polar, with methionine, which is neutral and non-polar, at codon 843 of the PLCE1 protein (p.Thr843Met). This variant is present in population databases (rs770194045, gnomAD 0.006%). This variant has not been reported in the literature in individuals affected with PLCE1-related conditions. ClinVar contains an entry for this variant (Variation ID: 2147751). Advanced modeling of protein sequence and biophysical properties (such as structural, functional, and spatial information, amino acid conservation, physicochemical variation, residue mobility, and thermodynamic stability) performed at Invitae indicates that this missense variant is expected to disrupt PLCE1 protein function with a positive predictive value of 80%. In summary, the available evidence is currently insufficient to determine the role of this variant in disease. Therefore, it has been classified as a Variant of Uncertain Significance.

NM_016341.4(PLCE1):c.2528C>T (p.Thr843Met)

Gene: PLCE1 (phospholipase C epsilon 1; plus strand). Cytogenetic location: 10q23.33.
Variant type: single nucleotide variant.
Coding change: c.2528C>T on transcript NM_016341.4 (MANE Select); coding-DNA position 2528, C replaced by T.
Protein change: p.Thr843Met; replaces threonine 843 with methionine.
Molecular consequence: missense variant.
Genome position (GRCh38, 1-based): chr10:94,246,053, C>T. VCF-style: chr10-94246053-C-T. GRCh37 (hg19) VCF-style: chr10-96005810-C-T.
Other names: c.1604C>T, p.Thr535Met (NM_001165979.2); c.2528C>T, p.Thr843Met (NM_001288989.2); c.2528C>T (NM_016341.3); short protein forms T535M, T843M.
Identifiers: ClinVar variation 2147751 (VCV002147751.4), dbSNP rs770194045, ClinGen allele CA5612668.